The following is an entry in ClinVar:

NC_012920.1(MT-ATP8):m.8504T>C

Gene: MT-ATP8 (mitochondrially encoded ATP synthase 8; plus strand).
Variant type: single nucleotide variant.
Genome position: chrM-8504-T-C.
Identifiers: ClinVar variation 692880 (VCV000692880.1), dbSNP rs1603221542, ClinGen allele CA414796394.
Genomic context (GRCh38, chrMT:8,504, plus strand): 5'-AAAATATTAAACACAAACTACCACCTACCTCCCTCACCAAAGCCCATAAAAATAAAAAAT[T>C]ATAACAAACCCTGAGAACCAAAATGAACGAAAATCTGTTCGCTTCATTCATTGCCCCCAC-3'

ClinVar aggregate classification (germline): Benign (1 of 4 stars; one submission).

Conditions:
Leigh syndrome (NULS). Also called: Leigh's necrotizing encephalopathy; Leigh's disease; Leigh Syndrome (mtDNA deletion); Leigh Disease; Subacute necrotizing encephalopathy; Necrotizing encephalopathy infantile subacute of Leigh. Identifiers: Orphanet 506, MedGen C2931891, MONDO:0009723, OMIM 256000.

Submission:

Wong Mito Lab, Molecular and Human Genetics, Baylor College of Medicine
Classification: Benign for Leigh syndrome. Last evaluated: 2019-10-17. Review status: criteria provided, single submitter. Criteria: Modified ACMG Guidelines (Unpublished). Collection method: clinical testing. Allele origin: germline.
Comment: The NC_012920.1:m.8504T>C (YP_003024030.1:p.Tyr47His) variant in MTATP8 gene is interpretated to be a Benign variant based on the modified ACMG guidelines (unpublished). This variant meets the following evidence codes: BS1, BS4